The following is an entry in ClinVar:

ClinVar aggregate classification (germline): Benign/Likely benign. Review status: criteria provided, multiple submitters, no conflicts (2 of 4 stars). 5 submissions from 5 submitters: Benign (1); Likely benign (4). Last evaluated 2025-10-07.

Conditions:
Long QT syndrome (LQTS). Identifiers: MedGen C0023976, MeSH D008133, MONDO:0002442. Disease mechanism: loss of function. Inheritance: Various modes of inheritance.
Cardiac arrhythmia. Also called: Arrhythmia; Cardiac rhythm disease. Identifiers: MedGen C0003811, MONDO:0007263, HP:0011675.
Cardiovascular phenotype. Identifiers: MedGen CN230736.

Allele frequency attached by ClinVar (database versions not stated): gnomAD exomes below 0.00001 and 0.00001; ExAC 0.00001; gnomAD 0.00002; TOPMed 0.00003.
gnomAD v4.1: 10 of 1,613,678 alleles (0.00062%); highest among the groups gnomAD compares: South Asian, 0.0044%; no homozygotes.

Submissions (5):

Labcorp Genetics (formerly Invitae), Labcorp
Classification: Likely benign for Long QT syndrome. Last evaluated: 2025-10-07. Review status: criteria provided, single submitter. Criteria: Invitae Variant Classification Sherloc (09022015). Collection method: clinical testing. Allele origin: germline.

All of Us Research Program, National Institutes of Health
Classification: Likely benign for Long QT syndrome. Last evaluated: 2023-09-17. Review status: criteria provided, single submitter. Criteria: ACMG Guidelines, 2015. Collection method: clinical testing. Allele origin: germline. Inheritance: Autosomal dominant inheritance. Observed: 4 variant alleles, 4 heterozygotes.
Comment: This study involves interpretation of variants in research participants for the purpose of population health screening. Participant phenotype was not available at the time of variant classification. Additional details can be found in publication PMID: 35346344, PMCID: PMC8962531

Ambry Genetics
Classification: Likely benign for Cardiovascular phenotype. Last evaluated: 2019-10-24. Review status: criteria provided, single submitter. Criteria: Ambry Variant Classification Scheme 2023. Collection method: clinical testing. Allele origin: germline.

Color Diagnostics, LLC DBA Color Health
Classification: Likely benign for Arrhythmia. Last evaluated: 2019-10-07. Review status: criteria provided, single submitter. Criteria: ACMG Guidelines, 2015. Collection method: clinical testing. Allele origin: germline.

GeneDx
Classification: Benign. Last evaluated: 2015-04-20. Review status: criteria provided, single submitter. Criteria: GeneDx Variant Classification Process June 2021. Collection method: clinical testing. Allele origin: germline. Affected: yes.

NM_000238.4(KCNH2):c.939C>T (p.Ser313=)

Gene: KCNH2 (potassium voltage-gated channel subfamily H member 2; minus strand). Cytogenetic location: 7q36.1.
Variant type: single nucleotide variant.
Coding change: c.939C>T on transcript NM_000238.4 (MANE Select); coding-DNA position 939, C replaced by T.
Protein change: p.Ser313=; no amino-acid change (serine 313 retained).
Molecular consequence: synonymous variant. On other transcripts: non-coding transcript variant (1).
Genome position (GRCh38, 1-based): chr7:150,957,480, G>A on the plus strand (C>T on the coding strand, the complement: KCNH2 is on the minus strand). VCF-style: chr7-150957480-G-A. GRCh37 (hg19) VCF-style: chr7-150654568-G-A.
Other names: c.651C>T, p.Ser217= (NM_001406753.1, NM_001406756.1); c.762C>T, p.Ser254= (NM_001406755.1); c.639C>T, p.Ser213= (NM_001406757.1); c.939C>T, p.Ser313= (NM_172056.3).
Identifiers: ClinVar variation 925706 (VCV000925706.18), dbSNP rs778439539, ClinGen allele CA041036.